The following is an entry in ClinVar:

ClinVar aggregate classification (germline): Uncertain significance (1 of 4 stars; one submission).

Submission:

Labcorp Genetics (formerly Invitae), Labcorp
Classification: Uncertain significance. Last evaluated: 2025-08-05. Review status: criteria provided, single submitter. Criteria: Invitae Variant Classification Sherloc (09022015). Collection method: clinical testing. Allele origin: germline.
Comment: This sequence change replaces proline, which is neutral and non-polar, with glutamine, which is neutral and polar, at codon 723 of the ZBTB47 protein (p.Pro723Gln). This variant is not present in population databases (gnomAD no frequency). This variant has not been reported in the literature in individuals affected with ZBTB47-related conditions. Experimental studies and prediction algorithms are not available or were not evaluated, and the functional significance of this variant is currently unknown. In summary, the available evidence is currently insufficient to determine the role of this variant in disease. Therefore, it has been classified as a Variant of Uncertain Significance.

NM_145166.4(ZBTB47):c.2168C>A (p.Pro723Gln)

Gene: ZBTB47 (zinc finger and BTB domain containing 47; plus strand). Cytogenetic location: 3p22.1.
Variant type: single nucleotide variant.
Coding change: c.2168C>A on transcript NM_145166.4 (MANE Select); coding-DNA position 2168, C replaced by A.
Protein change: p.Pro723Gln; replaces proline 723 with glutamine.
Molecular consequence: missense variant.
Genome position (GRCh38, 1-based): chr3:42,664,522, C>A. VCF-style: chr3-42664522-C-A. GRCh37 (hg19) VCF-style: chr3-42706014-C-A.
Other names: c.2252C>A, p.Pro751Gln (NM_001410746.1); short protein forms P723Q, P751Q.
Identifiers: ClinVar variation 4724877 (VCV004724877.1).